The following is an entry in ClinVar:

NM_024757.5(EHMT1):c.1957C>G (p.Pro653Ala)

Gene: EHMT1 (euchromatic histone lysine methyltransferase 1; plus strand). Cytogenetic location: 9q34.3.
Variant type: single nucleotide variant.
Coding change: c.1957C>G on transcript NM_024757.5 (MANE Select); coding-DNA position 1957, C replaced by G.
Protein change: p.Pro653Ala; replaces proline 653 with alanine.
Molecular consequence: missense variant.
Genome position (GRCh38, 1-based): chr9:137,776,783, C>G. VCF-style: chr9-137776783-C-G. GRCh37 (hg19) VCF-style: chr9-140671235-C-G.
Other names: c.1957C>G, p.Pro653Ala (NM_001145527.2); c.1864C>G, p.Pro622Ala (NM_001354259.2); c.1936C>G, p.Pro646Ala (NM_001354263.2); short protein forms P622A, P653A, P646A.
Identifiers: ClinVar variation 2062949 (VCV002062949.4), dbSNP rs2136685770, ClinGen allele CA375776765.

ClinVar aggregate classification (germline): Uncertain significance (1 of 4 stars; one submission).

Conditions:
Kleefstra syndrome 1 (KLEFS1). Identifiers: Orphanet 261494, MedGen C0795833, MONDO:0027407, OMIM 610253.

Allele frequency attached by ClinVar (database versions not stated): gnomAD exomes below 0.00001.
gnomAD v4.1: 1 of 1,614,080 alleles (0.000062%); highest among the groups gnomAD compares: Admixed American, 0.0017%; no homozygotes.

Submission:

Labcorp Genetics (formerly Invitae), Labcorp
Classification: Uncertain significance for Kleefstra syndrome 1. Last evaluated: 2022-08-06. Review status: criteria provided, single submitter. Criteria: Invitae Variant Classification Sherloc (09022015). Collection method: clinical testing. Allele origin: germline.
Comment: In summary, the available evidence is currently insufficient to determine the role of this variant in disease. Therefore, it has been classified as a Variant of Uncertain Significance. Algorithms developed to predict the effect of sequence changes on RNA splicing suggest that this variant may create or strengthen a splice site. Algorithms developed to predict the effect of missense changes on protein structure and function (SIFT, PolyPhen-2, Align-GVGD) all suggest that this variant is likely to be tolerated. This variant has not been reported in the literature in individuals affected with EHMT1-related conditions. This variant is not present in population databases (gnomAD no frequency). This sequence change replaces proline, which is neutral and non-polar, with alanine, which is neutral and non-polar, at codon 653 of the EHMT1 protein (p.Pro653Ala).